The following is an entry in ClinVar:

NM_000540.3(RYR1):c.14690G>T (p.Gly4897Val)

Gene: RYR1 (ryanodine receptor 1; plus strand). Cytogenetic location: 19q13.2.
Variant type: single nucleotide variant.
Coding change: c.14690G>T on transcript NM_000540.3 (MANE Select); coding-DNA position 14690, G replaced by T.
Protein change: p.Gly4897Val; replaces glycine 4897 with valine.
Molecular consequence: missense variant.
Genome position (GRCh38, 1-based): chr19:38,584,986, G>T. VCF-style: chr19-38584986-G-T. GRCh37 (hg19) VCF-style: chr19-39075626-G-T.
Other names: c.14675G>T, p.Gly4892Val (NM_001042723.2); short protein forms G4897V, G4892V.
Identifiers: ClinVar variation 65947 (VCV000065947.3), dbSNP rs118192148, ClinGen allele CA024231.

ClinVar aggregate classification (germline): Pathogenic. Review status: no assertion criteria provided (0 of 4 stars). 2 submissions from 2 submitters: Pathogenic (1). 1 of the submissions does not count toward it. Last evaluated 2010-05-11.

Conditions:
Central core myopathy (CMYO1A). Also called: Central core disease; Myopathy, central fibrillar; CONGENITAL MYOPATHY 1A, AUTOSOMAL DOMINANT, WITH SUSCEPTIBILITY TO MALIGNANT HYPERTHERMIA. Identifiers: Orphanet 597, MedGen C5830701, MONDO:0007294, OMIM 117000.

Submissions (2):

GeneReviews
Classification: Pathogenic for Central Core Disease. Last evaluated: 2010-05-11. Review status: no assertion criteria provided. Collection method: curation. Allele origin: unknown.
ClinVar note: Converted during submission from pathologic to Pathogenic.

RYR1 database
No classification provided. Review status: no classification provided. Collection method: not provided. Allele origin: unknown. Not counted in ClinVar's aggregate classification.